The following is an entry in ClinVar:

NM_001329943.3(KIAA0586):c.4033C>A (p.Pro1345Thr)

Gene: KIAA0586 (KIAA0586; plus strand). Cytogenetic location: 14q23.1.
Variant type: single nucleotide variant.
Coding change: c.4033C>A on transcript NM_001329943.3 (MANE Select); coding-DNA position 4033, C replaced by A.
Protein change: p.Pro1345Thr; replaces proline 1345 with threonine.
Molecular consequence: missense variant.
Genome position (GRCh38, 1-based): chr14:58,498,825, C>A. VCF-style: chr14-58498825-C-A. GRCh37 (hg19) VCF-style: chr14-58965543-C-A.
Other names: c.4192C>A, p.Pro1398Thr (NM_001244189.2); c.3988C>A, p.Pro1330Thr (NM_001244190.2); c.3778C>A, p.Pro1260Thr (NM_001244191.2, NM_001329945.2, NM_001364700.1 and 1 more transcripts); c.3901C>A, p.Pro1301Thr (NM_001244192.2, NM_001329947.2); c.3613C>A, p.Pro1205Thr (NM_001244193.2); c.4033C>A, p.Pro1345Thr (NM_001329944.2, NM_001329946.2); c.3805C>A, p.Pro1269Thr (NM_014749.5); short protein forms P1301T, P1330T, P1345T, P1205T, P1260T, P1269T, P1398T.
Identifiers: ClinVar variation 2015248 (VCV002015248.2), dbSNP rs2543904373, ClinGen allele CA389885520.
Genomic context (GRCh38, chr14:58,498,825, plus strand): 5'-TGTTTCTGCTTTTTAAAGGACTTGGAAAACAGTGTGGGTGAACTTAGTGAAGGACAAAGA[C>A]CCCAGCTAACAGCGGCAGCAGAGAACATCTTAATGGGACATTCTCTCTATATGCAGCCAC-3'
Protein context (NP_001316872.1, residues 1335-1355): SVGELSEGQR[Pro1345Thr]QLTAAAENIL

ClinVar aggregate classification (germline): Uncertain significance (1 of 4 stars; one submission).

Conditions:
Joubert syndrome 23 (JBTS23). Identifiers: Orphanet 475, MedGen C4084822, MONDO:0014664, OMIM 616490.
Short-rib thoracic dysplasia 14 with polydactyly (SRTD14). Identifiers: Orphanet 397715, MedGen C4225286, MONDO:0014688, OMIM 616546.

Submission:

Labcorp Genetics (formerly Invitae), Labcorp
Classification: Uncertain significance for Joubert syndrome 23; Short-rib thoracic dysplasia 14 with polydactyly. Last evaluated: 2022-07-09. Review status: criteria provided, single submitter. Criteria: Invitae Variant Classification Sherloc (09022015). Collection method: clinical testing. Allele origin: germline.
Comment: In summary, the available evidence is currently insufficient to determine the role of this variant in disease. Therefore, it has been classified as a Variant of Uncertain Significance. Algorithms developed to predict the effect of missense changes on protein structure and function (SIFT, PolyPhen-2, Align-GVGD) all suggest that this variant is likely to be tolerated. This variant has not been reported in the literature in individuals affected with KIAA0586-related conditions. This variant is not present in population databases (gnomAD no frequency). This sequence change replaces proline, which is neutral and non-polar, with threonine, which is neutral and polar, at codon 1398 of the KIAA0586 protein (p.Pro1398Thr).